The following is an entry in ClinVar:

NM_001376.5(DYNC1H1):c.5007T>A (p.Asp1669Glu)

Gene: DYNC1H1 (dynein cytoplasmic 1 heavy chain 1; plus strand). Cytogenetic location: 14q32.31.
Variant type: single nucleotide variant.
Coding change: c.5007T>A on transcript NM_001376.5 (MANE Select); coding-DNA position 5007, T replaced by A.
Protein change: p.Asp1669Glu; replaces aspartic acid 1669 with glutamic acid.
Molecular consequence: missense variant.
Genome position (GRCh38, 1-based): chr14:102,004,641, T>A. VCF-style: chr14-102004641-T-A. GRCh37 (hg19) VCF-style: chr14-102470978-T-A.
Other names: short protein forms D1669E.
Identifiers: ClinVar variation 2993775 (VCV002993775.3), dbSNP rs2503738346, ClinGen allele CA391045159.

ClinVar aggregate classification (germline): Uncertain significance (1 of 4 stars; one submission).

Conditions:
Charcot-Marie-Tooth disease axonal type 2O. Also called: Charcot-Marie-Tooth disease, axonal, type 20; CHARCOT-MARIE-TOOTH NEUROPATHY, AXONAL, TYPE 2O; CHARCOT-MARIE-TOOTH DISEASE, AXONAL, AUTOSOMAL DOMINANT, TYPE 2O; Charcot-Marie-Tooth Neuropathy Type 2O. Identifiers: Orphanet 284232, MedGen C3280220, MONDO:0013644, OMIM 614228.

Submission:

Labcorp Genetics (formerly Invitae), Labcorp
Classification: Uncertain significance for Charcot-Marie-Tooth disease axonal type 2O. Last evaluated: 2023-01-14. Review status: criteria provided, single submitter. Criteria: Invitae Variant Classification Sherloc (09022015). Collection method: clinical testing. Allele origin: germline.
Comment: In summary, the available evidence is currently insufficient to determine the role of this variant in disease. Therefore, it has been classified as a Variant of Uncertain Significance. Advanced modeling of protein sequence and biophysical properties (such as structural, functional, and spatial information, amino acid conservation, physicochemical variation, residue mobility, and thermodynamic stability) performed at Invitae indicates that this missense variant is not expected to disrupt DYNC1H1 protein function. This variant has not been reported in the literature in individuals affected with DYNC1H1-related conditions. This variant is not present in population databases (gnomAD no frequency). This sequence change replaces aspartic acid, which is acidic and polar, with glutamic acid, which is acidic and polar, at codon 1669 of the DYNC1H1 protein (p.Asp1669Glu).